The following is an entry in ClinVar:

ClinVar aggregate classification (germline): Uncertain significance (1 of 4 stars; one submission).

Conditions:
Hereditary cancer-predisposing syndrome. Also called: Neoplastic Syndromes, Hereditary; Tumor predisposition; Hereditary Cancer Syndrome; Hereditary neoplastic syndrome. Identifiers: Orphanet 140162, MedGen C0027672, MeSH D009386, MONDO:0015356.

Submission:

Ambry Genetics
Classification: Uncertain significance for Hereditary cancer-predisposing syndrome. Last evaluated: 2026-04-22. Review status: criteria provided, single submitter. Criteria: Ambry Variant Classification Scheme 2023. Collection method: clinical testing. Allele origin: germline.
Comment: The p.Q619R variant (also known as c.1856A>G), located in coding exon 9 of the BRCA2 gene, results from an A to G substitution at nucleotide position 1856. The glutamine at codon 619 is replaced by arginine, an amino acid with highly similar properties. This amino acid position is conserved. In addition, this alteration is predicted to be tolerated by in silico analysis. Based on the available evidence, the clinical significance of this variant remains unclear.

NM_000059.4(BRCA2):c.1856A>G (p.Gln619Arg)

Gene: BRCA2 (BRCA2 DNA repair associated; plus strand). Cytogenetic location: 13q13.1.
Variant type: single nucleotide variant.
Coding change: c.1856A>G on transcript NM_000059.4 (MANE Select); coding-DNA position 1856, A replaced by G.
Protein change: p.Gln619Arg; replaces glutamine 619 with arginine.
Molecular consequence: missense variant. On other transcripts: non-coding transcript variant (1), intron variant (1).
Genome position (GRCh38, 1-based): chr13:32,333,334, A>G. VCF-style: chr13-32333334-A-G. GRCh37 (hg19) VCF-style: chr13-32907471-A-G.
Other names: c.1856A>G, p.Gln619Arg (NM_001406719.1, NM_001406720.1, NM_001406721.1 and 1 more transcripts); c.424+2304A>G (NM_001406722.1); short protein forms Q619R.
Identifiers: ClinVar variation 4867838 (VCV004867838.1).